The following is an entry in ClinVar:

NM_014415.4(ZBTB11):c.2268A>G (p.Lys756=)

Gene: ZBTB11 (zinc finger and BTB domain containing 11; minus strand). Cytogenetic location: 3q12.3.
Variant type: single nucleotide variant.
Coding change: c.2268A>G on transcript NM_014415.4 (MANE Select); coding-DNA position 2268, A replaced by G.
Protein change: p.Lys756=; no amino-acid change (lysine 756 retained).
Molecular consequence: synonymous variant.
Genome position (GRCh38, 1-based): chr3:101,654,745, T>C on the plus strand (A>G on the coding strand, the complement: ZBTB11 is on the minus strand). VCF-style: chr3-101654745-T-C. GRCh37 (hg19) VCF-style: chr3-101373589-T-C.
Identifiers: ClinVar variation 3038505 (VCV003038505.2), dbSNP rs138076914, ClinGen allele CA2520974.

ClinVar aggregate classification (germline): Likely benign (0 of 4 stars; one submission).

Conditions:
ZBTB11-related disorder. Also called: ZBTB11-related condition.

Allele frequency attached by ClinVar (database versions not stated): ExAC 0.00007; 1000 Genomes Project 30x 0.00016; 1000 Genomes Project 0.00020; TOPMed 0.00023; gnomAD 0.00026; ESP Exome Variant Server 0.00038.

Submission:

PreventionGenetics, part of Exact Sciences
Classification: Likely benign for ZBTB11-related condition. Last evaluated: 2019-05-20. Review status: no assertion criteria provided. Collection method: clinical testing. Allele origin: germline.
Comment: This variant is classified as likely benign based on ACMG/AMP sequence variant interpretation guidelines (Richards et al. 2015 PMID: 25741868, with internal and published modifications).